The following is an entry in ClinVar:

NM_000521.4(HEXB):c.276C>G (p.Thr92=)

Gene: HEXB (hexosaminidase subunit beta; plus strand). Cytogenetic location: 5q13.3.
Variant type: single nucleotide variant.
Coding change: c.276C>G on transcript NM_000521.4 (MANE Select); coding-DNA position 276, C replaced by G.
Protein change: p.Thr92=; no amino-acid change (threonine 92 retained).
Molecular consequence: synonymous variant. On other transcripts: intron variant (1).
Genome position (GRCh38, 1-based): chr5:74,685,536, C>G. VCF-style: chr5-74685536-C-G. GRCh37 (hg19) VCF-style: chr5-73981361-C-G.
Other names: p.Thr92=; c.-376-3792C>G (NM_001292004.2).
Identifiers: ClinVar variation 4684843 (VCV004684843.1).
Genomic context (GRCh38, chr5:74,685,536, plus strand): 5'-CGCCCCGGAGAACTTCTACATCAGCCACAGCCCCAATTCCACGGCGGGCCCCTCCTGCAC[C>G]CTGCTGGAGGAAGCGTTTCGACGGTGAGCGCTCCCGGCCCGGCCGGGAGTTGTCCTGGGG-3'
Protein context (NP_000512.2, residues 82-102): SPNSTAGPSC[Thr92=]LLEEAFRRYH

ClinVar aggregate classification (germline): Likely benign (1 of 4 stars; one submission).

Submission:

Mayo Clinic Laboratories, Mayo Clinic
Classification: Likely benign. Last evaluated: 2025-05-19. Review status: criteria provided, single submitter. Criteria: ACMG Guidelines, 2015. Collection method: clinical testing. Allele origin: germline. Observed: 1 variant allele.
Comment: BP4, BP7